The following is an entry in ClinVar:

ClinVar aggregate classification (germline): Likely benign. Review status: criteria provided, multiple submitters, no conflicts (2 of 4 stars). 4 submissions from 4 submitters: Likely benign (4). Last evaluated 2025-08-31.

Conditions:
Inborn genetic diseases. Identifiers: MedGen C0950123, MeSH D030342.
Neuropathy, hereditary sensory and autonomic, type 2B (HSAN2B). Also called: RETREG1-Related HSAN2 (HSAN2B). Identifiers: Orphanet 970, MedGen C2751092, MONDO:0013142, OMIM 613115.

Allele frequency attached by ClinVar (database versions not stated): ExAC 0.00004; gnomAD 0.00006; TOPMed 0.00006; gnomAD exomes 0.00008 and 0.00013; ESP Exome Variant Server 0.00017.
gnomAD v4.1: 192 of 1,613,176 alleles (0.012%); highest among the groups gnomAD compares: Non-Finnish European, 0.015%; no homozygotes.

Submissions (4):

Labcorp Genetics (formerly Invitae), Labcorp
Classification: Likely benign. Last evaluated: 2025-08-31. Review status: criteria provided, single submitter. Criteria: Invitae Variant Classification Sherloc (09022015). Collection method: clinical testing. Allele origin: germline.

ARUP Laboratories, Molecular Genetics and Genomics, ARUP Laboratories
Classification: Likely benign for Neuropathy, hereditary sensory and autonomic, type 2B. Last evaluated: 2021-09-08. Review status: criteria provided, single submitter. Criteria: ARUP Molecular Germline Variant Investigation Process 2021. Collection method: clinical testing. Allele origin: germline.

Ambry Genetics
Classification: Likely benign for Inborn genetic diseases. Last evaluated: 2019-07-11. Review status: criteria provided, single submitter. Criteria: Ambry Variant Classification Scheme 2023. Collection method: clinical testing. Allele origin: germline.

GeneDx
Classification: Likely benign. Last evaluated: 2017-05-04. Review status: criteria provided, single submitter. Criteria: GeneDx Variant Classification (06012015). Collection method: clinical testing. Allele origin: germline. Affected: yes.
Comment: This variant is considered likely benign or benign based on one or more of the following criteria: it is a conservative change, it occurs at a poorly conserved position in the protein, it is predicted to be benign by multiple in silico algorithms, and/or has population frequency not consistent with disease.

NM_001034850.3(RETREG1):c.339A>G (p.Pro113=)

Gene: RETREG1 (reticulophagy regulator 1; minus strand). Cytogenetic location: 5p15.1.
Variant type: single nucleotide variant.
Coding change: c.339A>G on transcript NM_001034850.3 (MANE Select); coding-DNA position 339, A replaced by G.
Protein change: p.Pro113=; no amino-acid change (proline 113 retained).
Molecular consequence: synonymous variant.
Genome position (GRCh38, 1-based): chr5:16,572,084, T>C on the plus strand (A>G on the coding strand, the complement: RETREG1 is on the minus strand). VCF-style: chr5-16572084-T-C. GRCh37 (hg19) VCF-style: chr5-16572193-T-C.
Identifiers: ClinVar variation 509333 (VCV000509333.19), dbSNP rs372182225, ClinGen allele CA3210499.